The following is an entry in ClinVar:

ClinVar aggregate classification (germline): Uncertain significance (1 of 4 stars; one submission).

Submission:

Mayo Clinic Laboratories, Mayo Clinic
Classification: Uncertain significance. Last evaluated: 2025-04-24. Review status: criteria provided, single submitter. Criteria: ACMG Guidelines, 2015. Collection method: clinical testing. Allele origin: germline. Observed: 1 variant allele.
Comment: BP4, PM2_supporting

NM_000552.5(VWF):c.3836T>C (p.Val1279Ala)

Gene: VWF (von Willebrand factor; minus strand). Cytogenetic location: 12p13.31.
Variant type: single nucleotide variant.
Coding change: c.3836T>C on transcript NM_000552.5 (MANE Select); coding-DNA position 3836, T replaced by C.
Protein change: p.Val1279Ala; replaces valine 1279 with alanine.
Molecular consequence: missense variant.
Genome position (GRCh38, 1-based): chr12:6,019,582, A>G on the plus strand (T>C on the coding strand, the complement: VWF is on the minus strand). VCF-style: chr12-6019582-A-G. GRCh37 (hg19) VCF-style: chr12-6128748-A-G.
Other names: p.Val1279Ala; short protein forms V1279A.
Identifiers: ClinVar variation 4541681 (VCV004541681.1).
Genomic context (GRCh38, chr12:6,019,582, plus strand): 5'-AAGGCCTTCAGCACTTCAAACTCAGCCTCGGACAGCCTGGAGGAGCCATCCAGCAGGAAG[A>G]CCAGGTCCAGTAGCCTGCTGCAGTAGAAATCGTGCAACGGCGGTTCCGAGATGTCCTCCA-3'
Protein context (NP_000543.3, residues 1269-1289): DFYCSRLLDL[Val1279Ala]FLLDGSSRLS